The following is an entry in ClinVar:

ClinVar aggregate classification (germline): Uncertain significance (1 of 4 stars; one submission).

Conditions:
Inborn genetic diseases. Identifiers: MedGen C0950123, MeSH D030342.

gnomAD v4.1: 22 of 1,613,826 alleles (0.0014%); highest among the groups gnomAD compares: Middle Eastern, 0.033%; no homozygotes.

Submission:

Ambry Genetics
Classification: Uncertain significance for Inborn genetic diseases. Last evaluated: 2026-04-12. Review status: criteria provided, single submitter. Criteria: Ambry Variant Classification Scheme 2023. Collection method: clinical testing. Allele origin: germline.
Comment: The p.V130I variant (also known as c.388G>A), located in coding exon 4 of the NPC1 gene, results from a G to A substitution at nucleotide position 388. The valine at codon 130 is replaced by isoleucine, an amino acid with highly similar properties. This amino acid position is conserved. In addition, this alteration is predicted to be tolerated by in silico analysis. Based on the available evidence, the clinical significance of this variant remains unclear.

NM_000271.5(NPC1):c.388G>A (p.Val130Ile)

Gene: NPC1 (NPC intracellular cholesterol transporter 1; minus strand). Cytogenetic location: 18q11.2.
Variant type: single nucleotide variant.
Coding change: c.388G>A on transcript NM_000271.5 (MANE Select); coding-DNA position 388, G replaced by A.
Protein change: p.Val130Ile; replaces valine 130 with isoleucine.
Molecular consequence: missense variant.
Genome position (GRCh38, 1-based): chr18:23,568,898, C>T on the plus strand (G>A on the coding strand, the complement: NPC1 is on the minus strand). VCF-style: chr18-23568898-C-T. GRCh37 (hg19) VCF-style: chr18-21148862-C-T.
Other names: short protein forms V130I.
Identifiers: ClinVar variation 4861146 (VCV004861146.1).